The following is an entry in ClinVar:

ClinVar aggregate classification (germline): Pathogenic/Likely pathogenic. Review status: criteria provided, multiple submitters, no conflicts (2 of 4 stars). 3 submissions from 3 submitters: Pathogenic (2); Likely pathogenic (1). Last evaluated 2026-01-31.

Conditions:
Chromosome 2q32-q33 deletion syndrome (GLASS). Also called: Glass syndrome; 2q33.1 deletion syndrome. Identifiers: Orphanet 251019, MedGen C2676739, MONDO:0012864, OMIM 612313.

Submissions (3):

GeneDx
Classification: Likely pathogenic. Last evaluated: 2026-01-31. Review status: criteria provided, single submitter. Criteria: GeneDx Variant Classification Process June 2021. Collection method: clinical testing. Allele origin: germline.
Comment: Not observed at significant frequency in large population cohorts (gnomAD); Alters the last nucleotide of the exon and is predicted to damage the splice donor site but the effect on protein function is unclear; Has not been previously published as pathogenic or benign to our knowledge; This variant is associated with the following publications: (PMID: 28139846)

Labcorp Genetics (formerly Invitae), Labcorp
Classification: Pathogenic for Chromosome 2q32-q33 deletion syndrome. Last evaluated: 2025-03-10. Review status: criteria provided, single submitter. Criteria: Invitae Variant Classification Sherloc (09022015). Collection method: clinical testing. Allele origin: germline.
Comment: This sequence change replaces glycine, which is neutral and non-polar, with arginine, which is basic and polar, at codon 116 of the SATB2 protein (p.Gly116Arg). This variant also falls at the last nucleotide of exon 4, which is part of the consensus splice site for this exon. This variant is not present in population databases (gnomAD no frequency). This missense change has been observed in individual(s) with SATB2-related condition (PMID: 28139846). In at least one individual the variant was observed to be de novo. ClinVar contains an entry for this variant (Variation ID: 2820987). An algorithm developed to predict the effect of missense changes on protein structure and function (PolyPhen-2) suggests that this variant is likely to be disruptive. Variants that disrupt the consensus splice site are a relatively common cause of aberrant splicing (PMID: 17576681, 9536098). Algorithms developed to predict the effect of sequence changes on RNA splicing suggest that this variant may disrupt the consensus splice site. For these reasons, this variant has been classified as Pathogenic.

3billion
Classification: Pathogenic for Chromosome 2q32-q33 deletion syndrome. Last evaluated: 2024-03-19. Review status: criteria provided, single submitter. Criteria: ACMG Guidelines, 2015. Collection method: clinical testing. Allele origin: germline. Affected: yes.
Comment: The variant is not observed in the gnomAD v2.1.1 dataset. Predicted Consequence/Location: Missense changes are a common disease-causing mechanism. In silico tool predictions suggest damaging effect of the variant on gene or gene product [REVEL: 0.75 (>=0.6, sensitivity 0.68 and specificity 0.92); 3Cnet: 0.83 (>=0.6, sensitivity 0.72 and precision 0.9)]. Same nucleotide change resulting in same amino acid change has been previously reported as pathogenic/likely pathogenic with strong evidence (ClinVar ID: VCV002820987 /PMID: 28139846). The variant has been previously reported as de novo in a similarly affected individual (PMID: 28139846). Therefore, this variant is classified as Pathogenic according to the recommendation of ACMG/AMP guideline.

Literature cited by the submitters: PubMed 28139846 (cited by Labcorp Genetics (formerly Invitae), Labcorp and 3billion); PubMed 17576681 (cited by Labcorp Genetics (formerly Invitae), Labcorp); PubMed 9536098 (cited by Labcorp Genetics (formerly Invitae), Labcorp).

NM_001172509.2(SATB2):c.346G>A (p.Gly116Arg)

Gene: SATB2 (SATB homeobox 2; minus strand). Cytogenetic location: 2q33.1.
Variant type: single nucleotide variant.
Coding change: c.346G>A on transcript NM_001172509.2 (MANE Select); coding-DNA position 346, G replaced by A.
Protein change: p.Gly116Arg; replaces glycine 116 with arginine.
Molecular consequence: missense variant. On other transcripts: non-coding transcript variant (1).
Genome position (GRCh38, 1-based): chr2:199,433,338, C>T on the plus strand (G>A on the coding strand, the complement: SATB2 is on the minus strand). VCF-style: chr2-199433338-C-T. GRCh37 (hg19) VCF-style: chr2-200298061-C-T.
Other names: c.346G>A (NM_015265.3); c.346G>A, p.Gly116Arg (NM_001172517.1, NM_015265.4); short protein forms G116R.
Identifiers: ClinVar variation 2820987 (VCV002820987.5), dbSNP rs1131691672, ClinGen allele CA350386610.